The following is an entry in ClinVar:

NM_001042492.3(NF1):c.6820-2A>G

Gene: NF1 (neurofibromin 1; plus strand). Cytogenetic location: 17q11.2.
Variant type: single nucleotide variant.
Coding change: c.6820-2A>G on transcript NM_001042492.3 (MANE Select); the canonical splice acceptor site of the intron before coding-DNA position 6820, A replaced by G.
Molecular consequence: splice acceptor variant.
Genome position (GRCh38, 1-based): chr17:31,338,702, A>G. VCF-style: chr17-31338702-A-G. GRCh37 (hg19) VCF-style: chr17-29665720-A-G.
Other names: c.6757-2A>G (NM_000267.4).
Identifiers: ClinVar variation 3378413 (VCV003378413.7).

ClinVar aggregate classification (germline): Pathogenic/Likely pathogenic. Review status: criteria provided, multiple submitters, no conflicts (2 of 4 stars). 4 submissions from 4 submitters: Pathogenic (1); Likely pathogenic (3). Last evaluated 2025-05-04.

Conditions:
Neurofibromatosis, type 1 (NF1). Also called: NEUROFIBROMATOSIS, TYPE I, SOMATIC; Peripheral type neurofibromatosis; Neurofibromatosis, type I; VON RECKLINGHAUSEN DISEASE. Identifiers: Orphanet 636, MedGen C0027831, MONDO:0018975, OMIM 162200. Disease mechanism: loss of function.
NF1-related disorder. Also called: NF1-related condition. Identifiers: MedGen CN379171.

Submissions (4):

Labcorp Genetics (formerly Invitae), Labcorp
Classification: Pathogenic for Neurofibromatosis, type 1. Last evaluated: 2025-05-04. Review status: criteria provided, single submitter. Criteria: Invitae Variant Classification Sherloc (09022015). Collection method: clinical testing. Allele origin: germline.
Comment: This sequence change affects an acceptor splice site in intron 44 of the NF1 gene. It is expected to disrupt RNA splicing. Variants that disrupt the donor or acceptor splice site typically lead to a loss of protein function (PMID: 16199547), and loss-of-function variants in NF1 are known to be pathogenic (PMID: 10712197, 23913538). This variant is not present in population databases (gnomAD no frequency). Disruption of this splice site has been observed in individual(s) with neurofibromatosis type 1 (PMID: 23668869). ClinVar contains an entry for this variant (Variation ID: 3378413). Algorithms developed to predict the effect of sequence changes on RNA splicing suggest that this variant may disrupt the consensus splice site. For these reasons, this variant has been classified as Pathogenic.

Molecular Genetics Laboratory, Motol Hospital
Classification: Likely pathogenic for Neurofibromatosis, type 1. Last evaluated: 2024-11-20. Review status: criteria provided, single submitter. Criteria: ACMG Guidelines, 2015. Collection method: clinical testing. Allele origin: unknown. Affected: yes. Observed: 1 variant allele.
Comment: The variant is predicted to disrupt canonical splice acceptor site on the borderline of intron 45 and exon 46. Different nucleotide change is a well-known pathogenic variant: c.6820-2A>C (ClinVar Variation ID: 1048727). The variants affecting the canonical splice donor and acceptor sites of the NF1 gene are well documented as a molecular cause of neurofibromatosis type 1 (OMIM:162200) (PMID:31776437;10607834;23244495;34782607). To conclude, the variant is classified as likely pathogenic (ACMG PVS1, PM2).

Blueprint Genetics
Classification: Likely pathogenic for NF1-related disorders. Last evaluated: 2024-07-18. Review status: criteria provided, single submitter. Criteria: ACMG Guidelines, 2015. Collection method: clinical testing. Allele origin: germline. Affected: yes. Observed: 1 variant allele.

Juno Genomics, Hangzhou Juno Genomics, Inc
Classification: Likely pathogenic for Neurofibromatosis, type 1. Review status: criteria provided, single submitter. Criteria: ACMG Guidelines, 2015. Collection method: clinical testing. Allele origin: germline. Affected: yes.
Comment: Absent from controls (or at extremely low frequency if recessive) in Genome Aggregation Database, Exome Sequencing Project, 1000 Genomes Project, or Exome Aggregation Consortium.;Null variant in a gene where loss of function (LOF) is a known mechanism of disease.;The prevalence of the variant in affected individuals is significantly increased compared to the prevalence in controls.;Patient's phenotype or family history is highly specific for a disease with a single genetic etiology.;Assumed de novo, but without confirmation of paternity and maternity.

Literature cited by the submitters: PubMed 16199547 (cited by Labcorp Genetics (formerly Invitae), Labcorp); PubMed 10712197 (cited by Labcorp Genetics (formerly Invitae), Labcorp); PubMed 23913538 (cited by Labcorp Genetics (formerly Invitae), Labcorp); PubMed 23668869 (cited by Labcorp Genetics (formerly Invitae), Labcorp); PubMed 31776437 (cited by Molecular Genetics Laboratory, Motol Hospital); PubMed 10607834 (cited by Molecular Genetics Laboratory, Motol Hospital); PubMed 23244495 (cited by Molecular Genetics Laboratory, Motol Hospital); PubMed 34782607 (cited by Molecular Genetics Laboratory, Motol Hospital).